The following is an entry in ClinVar:

ClinVar aggregate classification (germline): Likely benign. Review status: criteria provided, multiple submitters, no conflicts (2 of 4 stars). 2 submissions from 2 submitters: Likely benign (2). Last evaluated 2023-11-11.

Allele frequency attached by ClinVar (database versions not stated): ExAC 0.00001; gnomAD 0.00001; gnomAD exomes 0.00001; TOPMed 0.00001.
gnomAD v4.1: 12 of 1,611,284 alleles (0.00074%); highest among the groups gnomAD compares: East Asian, 0.0045%; no homozygotes.

Submissions (2):

Labcorp Genetics (formerly Invitae), Labcorp
Classification: Likely benign. Last evaluated: 2023-11-11. Review status: criteria provided, single submitter. Criteria: Invitae Variant Classification Sherloc (09022015). Collection method: clinical testing. Allele origin: germline.

CeGaT Center for Human Genetics Tuebingen
Classification: Likely benign. Last evaluated: 2023-09-01. Review status: criteria provided, single submitter. Criteria: CeGaT Center For Human Genetics Tuebingen Variant Classification Criteria Version 2. Collection method: clinical testing. Allele origin: germline. Affected: yes. Observed: 1 variant allele.
Comment: FBXO11: BP4, BP7

NM_001190274.2(FBXO11):c.2289T>C (p.Asn763=)

Gene: FBXO11 (F-box protein 11; minus strand). Cytogenetic location: 2p16.3.
Variant type: single nucleotide variant.
Coding change: c.2289T>C on transcript NM_001190274.2 (MANE Select); coding-DNA position 2289, T replaced by C.
Protein change: p.Asn763=; no amino-acid change (asparagine 763 retained).
Molecular consequence: synonymous variant.
Genome position (GRCh38, 1-based): chr2:47,810,365, A>G on the plus strand (T>C on the coding strand, the complement: FBXO11 is on the minus strand). VCF-style: chr2-47810365-A-G. GRCh37 (hg19) VCF-style: chr2-48037504-A-G.
Other names: c.2037T>C, p.Asn679= (NM_001374325.1, NM_025133.4).
Identifiers: ClinVar variation 1646710 (VCV001646710.32), dbSNP rs778400103, ClinGen allele CA1649558.